The following is an entry in ClinVar:

NM_001365480.1(CCDC88A):c.2758C>A (p.Gln920Lys)

Gene: CCDC88A (coiled-coil and HOOK domain protein 88A; minus strand). Cytogenetic location: 2p16.1.
Variant type: single nucleotide variant.
Coding change: c.2758C>A on transcript NM_001365480.1 (MANE Select); coding-DNA position 2758, C replaced by A.
Protein change: p.Gln920Lys; replaces glutamine 920 with lysine.
Molecular consequence: missense variant.
Genome position (GRCh38, 1-based): chr2:55,332,663, G>T on the plus strand (C>A on the coding strand, the complement: CCDC88A is on the minus strand). VCF-style: chr2-55332663-G-T. GRCh37 (hg19) VCF-style: chr2-55559799-G-T.
Other names: c.2758C>A, p.Gln920Lys (NM_001135597.2, NM_001254943.2, NM_018084.5); c.2758C>A (NM_001135597.1); short protein forms Q920K.
Identifiers: ClinVar variation 1356018 (VCV001356018.5), dbSNP rs763485993, ClinGen allele CA1665929.

ClinVar aggregate classification (germline): Uncertain significance. Review status: criteria provided, multiple submitters, no conflicts (2 of 4 stars). 2 submissions from 2 submitters: Uncertain significance (2). Last evaluated 2024-10-25.

Allele frequency attached by ClinVar (database versions not stated): ExAC 0.00001; gnomAD exomes 0.00002 and 0.00004; gnomAD 0.00003; TOPMed 0.00004.
gnomAD v4.1: 61 of 1,612,764 alleles (0.0038%); highest among the groups gnomAD compares: Non-Finnish European, 0.0048%; no homozygotes.

Submissions (2):

Labcorp Genetics (formerly Invitae), Labcorp
Classification: Uncertain significance. Last evaluated: 2024-10-25. Review status: criteria provided, single submitter. Criteria: Invitae Variant Classification Sherloc (09022015). Collection method: clinical testing. Allele origin: germline.
Comment: This sequence change replaces glutamine, which is neutral and polar, with lysine, which is basic and polar, at codon 920 of the CCDC88A protein (p.Gln920Lys). This variant is present in population databases (rs763485993, gnomAD 0.005%). This variant has not been reported in the literature in individuals affected with CCDC88A-related conditions. ClinVar contains an entry for this variant (Variation ID: 1356018). An algorithm developed to predict the effect of missense changes on protein structure and function (PolyPhen-2) suggests that this variant is likely to be disruptive. In summary, the available evidence is currently insufficient to determine the role of this variant in disease. Therefore, it has been classified as a Variant of Uncertain Significance.

Ambry Genetics
Classification: Uncertain significance. Last evaluated: 2024-04-12. Review status: criteria provided, single submitter. Criteria: Ambry Variant Classification Scheme 2023. Collection method: clinical testing. Allele origin: germline.